The following is an entry in ClinVar:

ClinVar aggregate classification (germline): Uncertain significance (1 of 4 stars; one submission).

Conditions:
Neuroblastoma, susceptibility to, 3. Also called: ALK-Related Neuroblastic Tumor Susceptibility. Identifiers: Orphanet 635, MedGen C2751681, MONDO:0013083, OMIM 613014.

Submission:

Labcorp Genetics (formerly Invitae), Labcorp
Classification: Uncertain significance for Neuroblastoma, susceptibility to, 3. Last evaluated: 2023-06-27. Review status: criteria provided, single submitter. Criteria: Invitae Variant Classification Sherloc (09022015). Collection method: clinical testing. Allele origin: germline.
Comment: In summary, the available evidence is currently insufficient to determine the role of this variant in disease. Therefore, it has been classified as a Variant of Uncertain Significance. An algorithm developed to predict the effect of missense changes on protein structure and function (PolyPhen-2) suggests that this variant is likely to be tolerated. This variant has not been reported in the literature in individuals affected with ALK-related conditions. This variant is not present in population databases (gnomAD no frequency). This sequence change replaces glycine, which is neutral and non-polar, with glutamic acid, which is acidic and polar, at codon 164 of the ALK protein (p.Gly164Glu).

NM_004304.5(ALK):c.491G>A (p.Gly164Glu)

Gene: ALK (ALK receptor tyrosine kinase; minus strand). Cytogenetic location: 2p23.1.
Variant type: single nucleotide variant.
Coding change: c.491G>A on transcript NM_004304.5 (MANE Select); coding-DNA position 491, G replaced by A.
Protein change: p.Gly164Glu; replaces glycine 164 with glutamic acid.
Molecular consequence: missense variant.
Genome position (GRCh38, 1-based): chr2:29,920,169, C>T on the plus strand (G>A on the coding strand, the complement: ALK is on the minus strand). VCF-style: chr2-29920169-C-T. GRCh37 (hg19) VCF-style: chr2-30143035-C-T.
Other names: short protein forms G164E.
Identifiers: ClinVar variation 2729703 (VCV002729703.3), dbSNP rs1470709197, ClinGen allele CA346589944.